The following is an entry in ClinVar:

ClinVar aggregate classification (germline): Uncertain significance (1 of 4 stars; one submission).

Conditions:
Blau syndrome (BLAUS). Also called: ARTHROCUTANEOUVEAL GRANULOMATOSIS; GRANULOMATOSIS, FAMILIAL JUVENILE SYSTEMIC; GRANULOMATOSIS, FAMILIAL, BLAU TYPE; GRANULOMATOUS INFLAMMATORY ARTHRITIS, DERMATITIS, AND UVEITIS, FAMILIAL; JABS SYNDROME. Identifiers: Orphanet 90340, MedGen C5201146, MONDO:0008523, OMIM 186580.
Regional enteritis. Also called: Enteritis, Granulomatous. Identifiers: MedGen C0678202, MeSH D003424.

Submission:

Labcorp Genetics (formerly Invitae), Labcorp
Classification: Uncertain significance for Regional enteritis; Blau syndrome. Last evaluated: 2025-07-30. Review status: criteria provided, single submitter. Criteria: Invitae Variant Classification Sherloc (09022015). Collection method: clinical testing. Allele origin: germline.
Comment: This sequence change replaces threonine, which is neutral and polar, with alanine, which is neutral and non-polar, at codon 674 of the NOD2 protein (p.Thr674Ala). This variant is not present in population databases (gnomAD no frequency). This variant has not been reported in the literature in individuals affected with NOD2-related conditions. ClinVar contains an entry for this variant (Variation ID: 2950157). Invitae Evidence Modeling of protein sequence and biophysical properties (such as structural, functional, and spatial information, amino acid conservation, physicochemical variation, residue mobility, and thermodynamic stability) indicates that this missense variant is not expected to disrupt NOD2 protein function with a negative predictive value of 95%. In summary, the available evidence is currently insufficient to determine the role of this variant in disease. Therefore, it has been classified as a Variant of Uncertain Significance.

NM_001370466.1(NOD2):c.1939A>G (p.Thr647Ala)

Gene: NOD2 (nucleotide binding oligomerization domain containing 2; plus strand). Cytogenetic location: 16q12.1.
Variant type: single nucleotide variant.
Coding change: c.1939A>G on transcript NM_001370466.1 (MANE Select); coding-DNA position 1939, A replaced by G.
Protein change: p.Thr647Ala; replaces threonine 647 with alanine.
Molecular consequence: missense variant. On other transcripts: non-coding transcript variant (1).
Genome position (GRCh38, 1-based): chr16:50,711,931, A>G. VCF-style: chr16-50711931-A-G. GRCh37 (hg19) VCF-style: chr16-50745842-A-G.
Other names: c.1939A>G, p.Thr647Ala (NM_001293557.2); c.2020A>G, p.Thr674Ala (NM_022162.3); short protein forms T674A, T647A.
Identifiers: ClinVar variation 2950157 (VCV002950157.3), dbSNP rs2506427439, ClinGen allele CA395870591.
Genomic context (GRCh38, chr16:50,711,931, plus strand): 5'-GGAAAGGACAGCAGCGTGGCAGCTTTGCTGCAGAAGGCCGAGCCGCACAACCTTCAGATC[A>G]CAGCAGCCTTCCTGGCAGGGCTGTTGTCCCGGGAGCACTGGGGCCTGCTGGCTGAGTGCC-3'
Protein context (NP_001357395.1, residues 637-657): QKAEPHNLQI[Thr647Ala]AAFLAGLLSR